The following is an entry in ClinVar:

NM_000302.4(PLOD1):c.947A>C (p.Lys316Thr)

Gene: PLOD1 (procollagen-lysine,2-oxoglutarate 5-dioxygenase 1; plus strand). Cytogenetic location: 1p36.22.
Variant type: single nucleotide variant.
Coding change: c.947A>C on transcript NM_000302.4 (MANE Select); coding-DNA position 947, A replaced by C.
Protein change: p.Lys316Thr; replaces lysine 316 with threonine.
Molecular consequence: missense variant.
Genome position (GRCh38, 1-based): chr1:11,958,619, A>C. VCF-style: chr1-11958619-A-C. GRCh37 (hg19) VCF-style: chr1-12018676-A-C.
Other names: p.Lys316Thr; c.1088A>C, p.Lys363Thr (NM_001316320.2); short protein forms K316T, K363T.
Identifiers: ClinVar variation 579966 (VCV000579966.6), dbSNP rs141881216, ClinGen allele CA598201.

ClinVar aggregate classification (germline): Uncertain significance. Review status: criteria provided, multiple submitters, no conflicts (2 of 4 stars). 3 submissions from 3 submitters: Uncertain significance (3). Last evaluated 2025-12-11.

Conditions:
Familial thoracic aortic aneurysm and aortic dissection (TAAD). Also called: Thoracic aortic aneurysms and dissections. Identifiers: Orphanet 91387, MedGen C4707243, MONDO:0019625.
Ehlers-Danlos syndrome, kyphoscoliotic type 1 (EDSKSCL1). Also called: EHLERS-DANLOS SYNDROME, OCULAR-SCOLIOTIC TYPE; Ehlers-Danlos syndrome, hydroxylysine-deficient; PLOD1-Related Kyphoscoliotic Ehlers-Danlos Syndrome; EHLERS-DANLOS SYNDROME, TYPE VIA. Identifiers: Orphanet 1900, MedGen C0268342, MONDO:0016002, OMIM 225400. Disease mechanism: loss of function.

Allele frequency attached by ClinVar (database versions not stated): gnomAD exomes below 0.00001 and 0.00001; ExAC 0.00002; TOPMed 0.00003; gnomAD 0.00005 and 0.00006; ESP Exome Variant Server 0.00015; 1000 Genomes Project 0.00040; 1000 Genomes Project 30x 0.00047.
gnomAD v4.1: 13 of 1,614,102 alleles (0.00081%); highest among the groups gnomAD compares: African/African-American, 0.016%; no homozygotes.

Submissions (3):

Mayo Clinic Laboratories, Mayo Clinic
Classification: Uncertain significance. Last evaluated: 2025-12-11. Review status: criteria provided, single submitter. Criteria: ACMG Guidelines, 2015. Collection method: clinical testing. Allele origin: germline. Observed: 1 variant allele.
Comment: BP4_moderate

Ambry Genetics
Classification: Uncertain significance for Familial thoracic aortic aneurysm and aortic dissection. Last evaluated: 2024-10-08. Review status: criteria provided, single submitter. Criteria: Ambry Variant Classification Scheme 2023. Collection method: clinical testing. Allele origin: germline.
Comment: The p.K316T variant (also known as c.947A>C), located in coding exon 9 of the PLOD1 gene, results from an A to C substitution at nucleotide position 947. The lysine at codon 316 is replaced by threonine, an amino acid with similar properties. This amino acid position is conserved. In addition, this alteration is predicted to be tolerated by in silico analysis. Based on the available evidence, the clinical significance of this variant remains unclear.

Labcorp Genetics (formerly Invitae), Labcorp
Classification: Uncertain significance for Ehlers-Danlos syndrome, kyphoscoliotic type 1. Last evaluated: 2021-08-27. Review status: criteria provided, single submitter. Criteria: Invitae Variant Classification Sherloc (09022015). Collection method: clinical testing. Allele origin: germline.
Comment: This sequence change replaces lysine with threonine at codon 316 of the PLOD1 protein (p.Lys316Thr). The lysine residue is moderately conserved and there is a moderate physicochemical difference between lysine and threonine. This variant is present in population databases (rs141881216, ExAC 0.03%). This variant has not been reported in the literature in individuals affected with PLOD1-related conditions. ClinVar contains an entry for this variant (Variation ID: 579966). Algorithms developed to predict the effect of missense changes on protein structure and function (SIFT, PolyPhen-2, Align-GVGD) all suggest that this variant is likely to be tolerated. In summary, the available evidence is currently insufficient to determine the role of this variant in disease. Therefore, it has been classified as a Variant of Uncertain Significance.